The following is an entry in ClinVar:

ClinVar aggregate classification (germline): Likely benign (1 of 4 stars; one submission).

Conditions:
SEMA3G-related disorder. Also called: SEMA3G-related condition.

Submission:

PreventionGenetics, part of Exact Sciences
Classification: Likely benign for SEMA3G-related condition. Last evaluated: 2025-07-02. Review status: criteria provided, single submitter. Criteria: ACMG Guidelines, 2015. Collection method: clinical testing. Allele origin: germline.
Comment: This variant is classified as likely benign based on ACMG/AMP sequence variant interpretation guidelines (Richards et al. 2015 PMID: 25741868, with internal and published modifications).

NM_020163.3(SEMA3G):c.1296G>A (p.Leu432=)

Gene: SEMA3G (semaphorin 3G; minus strand). Cytogenetic location: 3p21.1.
Variant type: single nucleotide variant.
Coding change: c.1296G>A on transcript NM_020163.3 (MANE Select); coding-DNA position 1296, G replaced by A.
Protein change: p.Leu432=; no amino-acid change (leucine 432 retained).
Molecular consequence: synonymous variant.
Genome position (GRCh38, 1-based): chr3:52,439,946, C>T on the plus strand (G>A on the coding strand, the complement: SEMA3G is on the minus strand). VCF-style: chr3-52439946-C-T. GRCh37 (hg19) VCF-style: chr3-52473962-C-T.
Identifiers: ClinVar variation 4987418 (VCV004987418.1).
Genomic context (GRCh38, chr3:52,439,946, plus strand): 5'-ATCGTAGGTCCCATCCTCTGCCTCCACGCGGTCCACCACGATCTGGTGTAGCTGCTGGGC[C>T]AGGTGGGTCTTGACAAGGACAGGGCGGCCATGTCGAGGCCGCACAGGCCAGAACATGAGG-3'
Protein context (NP_064548.1, residues 422-442): HGRPVLVKTH[Leu432=]AQQLHQIVVD